The following is an entry in ClinVar:

NM_014363.6(SACS):c.6172del (p.Ser2058fs)

Gene: SACS (sacsin molecular chaperone; minus strand). Cytogenetic location: 13q12.12.
Variant type: Deletion.
Coding change: c.6172del on transcript NM_014363.6 (MANE Select); coding-DNA position 6172, one base deleted (T; older notation c.6172delT).
Protein change: p.Ser2058fs; shifts the reading frame from serine 2058.
Molecular consequence: frameshift variant.
Genome position (GRCh38, 1-based): chr13:23,337,704, A deleted on the plus strand (T on the coding strand, the reverse complement: SACS is on the minus strand); the first of 7 consecutive A bases (chr13:23,337,704-23,337,710); deleting any one gives the same sequence. VCF-style (leftmost placement, unchanged base first): chr13-23337703-GA-G. GRCh37 (hg19) VCF-style: chr13-23911842-GA-G.
Other names: c.5731del, p.Ser1911fs (NM_001278055.2); c.6172delT (NM_014363.6); c.6172del (NM_014363.5); short protein forms S2058fs, S1911fs.
Identifiers: ClinVar variation 552153 (VCV000552153.8), dbSNP rs1214399996, ClinGen allele CA658823544.

ClinVar aggregate classification (germline): Pathogenic/Likely pathogenic. Review status: criteria provided, multiple submitters, no conflicts (2 of 4 stars). 5 submissions from 5 submitters: Pathogenic (1); Likely pathogenic (3). 1 of the submissions does not count toward it. Last evaluated 2022-01-01.

Conditions:
Charlevoix-Saguenay spastic ataxia (SACS). Also called: AUTOSOMAL RECESSIVE SPASTIC ATAXIA OF CHARLEVOIX-SAGUENAY; SPASTIC ATAXIA 6, AUTOSOMAL RECESSIVE; Spastic ataxia of Charlevoix-Saguenay. Identifiers: Orphanet 98, MedGen C1849140, MONDO:0010041, OMIM 270550.

Submissions (5):

PROSPAX: an integrated multimodal progression  chart in spastic ataxias, Center for Neurology; Hertie-Institute for Clinical Brain Research
Classification: Likely pathogenic for Charlevoix-Saguenay spastic ataxia. Last evaluated: 2022-01-01. Review status: criteria provided, single submitter. Criteria: ACMG Guidelines, 2015. Collection method: research. Allele origin: germline. Affected: yes.

Genome-Nilou Lab
Classification: Likely pathogenic for Charlevoix-Saguenay spastic ataxia. Last evaluated: 2021-09-05. Review status: criteria provided, single submitter. Criteria: ACMG Guidelines, 2015. Collection method: clinical testing. Allele origin: germline. Affected: no.

Women's Health and Genetics/Laboratory Corporation of America, LabCorp
Classification: Likely pathogenic for Charlevoix-Saguenay spastic ataxia. Last evaluated: 2020-12-25. Review status: criteria provided, single submitter. Criteria: LabCorp Variant Classification Summary - May 2015. Collection method: clinical testing. Allele origin: germline.
Comment: Variant summary: SACS c.6172delT (p.Ser2058LeufsX19) results in a premature termination codon, predicted to cause a truncation of the encoded protein or absence of the protein due to nonsense mediated decay, which are commonly known mechanisms for disease. Truncations downstream of this position have been classified as pathogenic by our laboratory. The variant was absent in 248418 control chromosomes. c.6172delT has been reported in the literature in individuals affected with Autosomal Recessive Spastic Ataxia Of Charlevoix-Saguenay and subsequently cited by others (example Yamamoto_2005). To our knowledge, no experimental evidence demonstrating an impact on protein function has been reported. One clinical diagnostic laboratory has submitted clinical-significance assessments for this variant to ClinVar after 2014 without evidence for independent evaluation and classified the variant as pathogenic. Based on the evidence outlined above, the variant was classified as likely pathogenic.

Paris Brain Institute, Inserm - ICM
Classification: Pathogenic for Charlevoix-Saguenay spastic ataxia. Review status: criteria provided, single submitter. Criteria: ACMG Guidelines, 2015. Collection method: clinical testing. Allele origin: unknown. Affected: yes. Observed: 1 variant allele.

Counsyl
Classification: Pathogenic for Charlevoix-Saguenay spastic ataxia. Last evaluated: 2017-05-24. Review status: no assertion criteria provided. Collection method: clinical testing. Allele origin: unknown. Not counted in ClinVar's aggregate classification.

Literature cited by the submitters: PubMed 26288984 (cited by Women's Health and Genetics/Laboratory Corporation of America, LabCorp and Counsyl); PubMed 18484239 (cited by Women's Health and Genetics/Laboratory Corporation of America, LabCorp); PubMed 16961075 (cited by Women's Health and Genetics/Laboratory Corporation of America, LabCorp and Counsyl); PubMed 16198375 (cited by Women's Health and Genetics/Laboratory Corporation of America, LabCorp).